The following is an entry in ClinVar:

NM_005068.3(SIM1):c.52A>T (p.Ser18Cys)

Gene: SIM1 (SIM bHLH transcription factor 1; minus strand). Cytogenetic location: 6q16.3.
Variant type: single nucleotide variant.
Coding change: c.52A>T on transcript NM_005068.3 (MANE Select); coding-DNA position 52, A replaced by T.
Protein change: p.Ser18Cys; replaces serine 18 with cysteine.
Molecular consequence: missense variant.
Genome position (GRCh38, 1-based): chr6:100,463,417, T>A on the plus strand (A>T on the coding strand, the complement: SIM1 is on the minus strand). VCF-style: chr6-100463417-T-A. GRCh37 (hg19) VCF-style: chr6-100911293-T-A.
Other names: c.52A>T, p.Ser18Cys (NM_001374769.1); short protein forms S18C.
Identifiers: ClinVar variation 3357639 (VCV003357639.2).

ClinVar aggregate classification (germline): Uncertain significance. Review status: criteria provided, single submitter (1 of 4 stars). 2 submissions from 2 submitters: Uncertain significance (1). 1 of the submissions does not count toward it. Last evaluated 2025-10-22.

Conditions:
Inborn genetic diseases. Identifiers: MedGen C0950123, MeSH D030342.
SIM1-related disorder. Also called: SIM1-related condition; SIM1-related disorders.

gnomAD v4.1: 7 of 1,613,958 alleles (0.00043%); highest among the groups gnomAD compares: African/African-American, 0.0093%; no homozygotes.

Submissions (2):

Ambry Genetics
Classification: Uncertain significance for Inborn genetic diseases. Last evaluated: 2025-10-22. Review status: criteria provided, single submitter. Criteria: Ambry Variant Classification Scheme 2023. Collection method: clinical testing. Allele origin: germline.

PreventionGenetics, part of Exact Sciences
Classification: Uncertain significance for SIM1-related condition. Last evaluated: 2024-01-06. Review status: no assertion criteria provided. Collection method: clinical testing. Allele origin: germline. Not counted in ClinVar's aggregate classification.
Comment: The SIM1 c.52A>T variant is predicted to result in the amino acid substitution p.Ser18Cys. To our knowledge, this variant has not been reported in the literature. This variant is reported in 0.016% of alleles in individuals of African descent in gnomAD. At this time, the clinical significance of this variant is uncertain due to the absence of conclusive functional and genetic evidence.